The following is an entry in ClinVar:

NM_000435.3(NOTCH3):c.199T>A (p.Cys67Ser)

Gene: NOTCH3 (notch receptor 3; minus strand). Cytogenetic location: 19p13.12.
Variant type: single nucleotide variant.
Coding change: c.199T>A on transcript NM_000435.3 (MANE Select); coding-DNA position 199, T replaced by A.
Protein change: p.Cys67Ser; replaces cysteine 67 with serine.
Molecular consequence: missense variant.
Genome position (GRCh38, 1-based): chr19:15,192,518, A>T on the plus strand (T>A on the coding strand, the complement: NOTCH3 is on the minus strand). VCF-style: chr19-15192518-A-T. GRCh37 (hg19) VCF-style: chr19-15303329-A-T.
Other names: short protein forms C67S.
Identifiers: ClinVar variation 1807398 (VCV001807398.1), dbSNP rs2145443955, ClinGen allele CA404535232.

ClinVar aggregate classification (germline): Pathogenic (1 of 4 stars; one submission).

Submission:

Athena Diagnostics
Classification: Pathogenic. Last evaluated: 2022-07-27. Review status: criteria provided, single submitter. Criteria: Athena Diagnostics Criteria. Collection method: clinical testing. Allele origin: unknown.
Comment: This variant has been identified in at least one individual with CADASIL. This variant has not been reported in large, multi-ethnic general populations. This variant alters a critical location within the protein, and is expected to severely affect function and cause disease. Greater than 90% of pathogenic variants identified in NOTCH3 involve the gain or loss of a cysteine residue within the epidermal growth factor (EGF)-like repeat domain.

Literature cited by the submitters: PubMed 19174371.